The following is an entry in ClinVar:

NM_006267.5(RANBP2):c.217G>A (p.Glu73Lys)

Gene: RANBP2 (RAN binding protein 2; plus strand). Cytogenetic location: 2q13.
Variant type: single nucleotide variant.
Coding change: c.217G>A on transcript NM_006267.5 (MANE Select); coding-DNA position 217, G replaced by A.
Protein change: p.Glu73Lys; replaces glutamic acid 73 with lysine.
Molecular consequence: missense variant.
Genome position (GRCh38, 1-based): chr2:108,730,850, G>A. VCF-style: chr2-108730850-G-A. GRCh37 (hg19) VCF-style: chr2-109347306-G-A.
Other names: short protein forms E73K.
Identifiers: ClinVar variation 1305970 (VCV001305970.2), dbSNP rs1695112403, ClinGen allele CA348037776.

ClinVar aggregate classification (germline): Uncertain significance (1 of 4 stars; one submission).

Allele frequency attached by ClinVar (database versions not stated): TOPMed below 0.00001.

Submission:

GeneDx
Classification: Uncertain significance. Last evaluated: 2021-04-02. Review status: criteria provided, single submitter. Criteria: GeneDx Variant Classification Process June 2021. Collection method: clinical testing. Allele origin: germline. Affected: yes.
Comment: Not observed in large population cohorts (Lek et al., 2016); In silico analysis supports that this missense variant does not alter protein structure/function; Has not been previously published as pathogenic or benign to our knowledge